The following is an entry in ClinVar:

NM_145861.4(EDARADD):c.358G>C (p.Asp120His)

Gene: EDARADD (EDAR associated via death domain; plus strand). Cytogenetic location: 1q43.
Variant type: single nucleotide variant.
Coding change: c.358G>C on transcript NM_145861.4 (MANE Select); coding-DNA position 358, G replaced by C.
Protein change: p.Asp120His; replaces aspartic acid 120 with histidine.
Molecular consequence: missense variant.
Genome position (GRCh38, 1-based): chr1:236,482,359, G>C. VCF-style: chr1-236482359-G-C. GRCh37 (hg19) VCF-style: chr1-236645659-G-C.
Other names: c.292G>C, p.Asp98His (NM_001422628.1); c.328G>C, p.Asp110His (NM_080738.5); short protein forms D110H, D120H, D98H.
Identifiers: ClinVar variation 3581599 (VCV003581599.2).

ClinVar aggregate classification (germline): Uncertain significance. Review status: criteria provided, multiple submitters, no conflicts (2 of 4 stars). 2 submissions from 2 submitters: Uncertain significance (2). Last evaluated 2026-01-27.

Conditions:
Ectodermal dysplasia 11A, hypohidrotic/hair/tooth type, autosomal dominant. Identifiers: Orphanet 1810, Orphanet 238468, MedGen C3541517, MONDO:0013982, OMIM 614940.
Ectodermal dysplasia 11B, hypohidrotic/hair/tooth type, autosomal recessive. Identifiers: Orphanet 238468, Orphanet 248, MedGen C3539920, MONDO:0013983, OMIM 614941.

Submissions (2):

Labcorp Genetics (formerly Invitae), Labcorp
Classification: Uncertain significance for Ectodermal dysplasia 11B, hypohidrotic/hair/tooth type, autosomal recessive; Ectodermal dysplasia 11A, hypohidrotic/hair/tooth type, autosomal dominant. Last evaluated: 2026-01-27. Review status: criteria provided, single submitter. Criteria: Invitae Variant Classification Sherloc (09022015). Collection method: clinical testing. Allele origin: germline.
Comment: This sequence change replaces aspartic acid, which is acidic and polar, with histidine, which is basic and polar, at codon 120 of the EDARADD protein (p.Asp120His). This variant is not present in population databases (gnomAD no frequency). This missense change has been observed in individual(s) with clinical features of ectodermal dysplasia (internal data). ClinVar contains an entry for this variant (Variation ID: 3581599). An algorithm developed to predict the effect of missense changes on protein structure and function (PolyPhen-2) suggests that this variant is likely to be disruptive. In summary, the available evidence is currently insufficient to determine the role of this variant in disease. Therefore, it has been classified as a Variant of Uncertain Significance.

Fulgent Genetics
Classification: Uncertain significance for Ectodermal dysplasia 11A, hypohidrotic/hair/tooth type, autosomal dominant; Ectodermal dysplasia 11B, hypohidrotic/hair/tooth type, autosomal recessive. Last evaluated: 2024-04-07. Review status: criteria provided, single submitter. Criteria: ACMG Guidelines, 2015. Collection method: clinical testing. Allele origin: germline.